The following is an entry in ClinVar:

NM_024529.5(CDC73):c.625A>C (p.Lys209Gln)

Gene: CDC73 (cell division cycle 73; plus strand). Cytogenetic location: 1q31.2.
Variant type: single nucleotide variant.
Coding change: c.625A>C on transcript NM_024529.5 (MANE Select); coding-DNA position 625, A replaced by C.
Protein change: p.Lys209Gln; replaces lysine 209 with glutamine.
Molecular consequence: missense variant.
Genome position (GRCh38, 1-based): chr1:193,141,962, A>C. VCF-style: chr1-193141962-A-C. GRCh37 (hg19) VCF-style: chr1-193111092-A-C.
Other names: short protein forms K209Q.
Identifiers: ClinVar variation 462766 (VCV000462766.12), dbSNP rs1455683303, ClinGen allele CA343962565.

ClinVar aggregate classification (germline): Uncertain significance. Review status: criteria provided, multiple submitters, no conflicts (2 of 4 stars). 2 submissions from 2 submitters: Uncertain significance (2). Last evaluated 2025-10-09.

Conditions:
Hereditary cancer-predisposing syndrome. Also called: Neoplastic Syndromes, Hereditary; Hereditary Cancer Syndrome; Hereditary neoplastic syndrome; Tumor predisposition. Identifiers: Orphanet 140162, MedGen C0027672, MeSH D009386, MONDO:0015356.
Parathyroid carcinoma (PRTC). Also called: CDC73-Related Parathyroid Carcinoma; Parathyroid gland carcinoma. Identifiers: Orphanet 143, MedGen C0687150, MONDO:0012004, OMIM 608266, HP:0006780.

Allele frequency attached by ClinVar (database versions not stated): gnomAD exomes below 0.00001 and 0.00001; gnomAD 0.00001; TOPMed 0.00001.
gnomAD v4.1: 5 of 1,613,756 alleles (0.00031%); highest among the groups gnomAD compares: Non-Finnish European, 0.00042%; no homozygotes.

Submissions (2):

Labcorp Genetics (formerly Invitae), Labcorp
Classification: Uncertain significance for Parathyroid carcinoma. Last evaluated: 2025-10-09. Review status: criteria provided, single submitter. Criteria: Invitae Variant Classification Sherloc (09022015). Collection method: clinical testing. Allele origin: germline.
Comment: This sequence change replaces lysine, which is basic and polar, with glutamine, which is neutral and polar, at codon 209 of the CDC73 protein (p.Lys209Gln). This variant is present in population databases (no rsID available, gnomAD 0.002%). This variant has not been reported in the literature in individuals affected with CDC73-related conditions. ClinVar contains an entry for this variant (Variation ID: 462766). Invitae Evidence Modeling of protein sequence and biophysical properties (such as structural, functional, and spatial information, amino acid conservation, physicochemical variation, residue mobility, and thermodynamic stability) indicates that this missense variant is not expected to disrupt CDC73 protein function with a negative predictive value of 80%. In summary, the available evidence is currently insufficient to determine the role of this variant in disease. Therefore, it has been classified as a Variant of Uncertain Significance.

Ambry Genetics
Classification: Uncertain significance for Hereditary cancer-predisposing syndrome. Last evaluated: 2025-04-13. Review status: criteria provided, single submitter. Criteria: Ambry Variant Classification Scheme 2023. Collection method: clinical testing. Allele origin: germline.
Comment: The p.K209Q variant (also known as c.625A>C), located in coding exon 7 of the CDC73 gene, results from an A to C substitution at nucleotide position 625. The lysine at codon 209 is replaced by glutamine, an amino acid with similar properties. This amino acid position is conserved. In addition, this alteration is predicted to be tolerated by in silico analysis. Since supporting evidence is limited at this time, the clinical significance of this alteration remains unclear.